The following is an entry in ClinVar:

NM_020338.4(ZMIZ1):c.1379C>T (p.Pro460Leu)

Gene: ZMIZ1 (zinc finger MIZ-type containing 1; plus strand). Cytogenetic location: 10q22.3.
Variant type: single nucleotide variant.
Coding change: c.1379C>T on transcript NM_020338.4 (MANE Select); coding-DNA position 1379, C replaced by T.
Protein change: p.Pro460Leu; replaces proline 460 with leucine.
Molecular consequence: missense variant.
Genome position (GRCh38, 1-based): chr10:79,296,619, C>T. VCF-style: chr10-79296619-C-T. GRCh37 (hg19) VCF-style: chr10-81056376-C-T.
Other names: short protein forms P460L.
Identifiers: ClinVar variation 1686753 (VCV001686753.3), dbSNP rs1194478730, ClinGen allele CA377336038.

ClinVar aggregate classification (germline): Uncertain significance (1 of 4 stars; one submission).

Allele frequency attached by ClinVar (database versions not stated): gnomAD 0.00001; gnomAD exomes below 0.00001.
gnomAD v4.1: 7 of 1,593,250 alleles (0.00044%); highest among the groups gnomAD compares: African/African-American, 0.0013%; no homozygotes.

Submission:

GeneDx
Classification: Uncertain significance. Last evaluated: 2024-06-02. Review status: criteria provided, single submitter. Criteria: GeneDx Variant Classification Process June 2021. Collection method: clinical testing. Allele origin: germline.
Comment: Not observed at significant frequency in large population cohorts (gnomAD); In silico analysis indicates that this missense variant does not alter protein structure/function; Has not been previously published as pathogenic or benign to our knowledge